The following is an entry in ClinVar:

ClinVar aggregate classification (germline): Uncertain significance. Review status: criteria provided, multiple submitters, no conflicts (2 of 4 stars). 4 submissions from 4 submitters: Uncertain significance (4). Last evaluated 2023-06-15.

Conditions:
Xeroderma pigmentosum (XP). Identifiers: Orphanet 910, MedGen C0043346, MONDO:0019600.
Trichothiodystrophy 2, photosensitive (TTD2). Identifiers: Orphanet 33364, MedGen C4225344, MONDO:0014615, OMIM 616390.
Xeroderma pigmentosum group B. Also called: ERCC3-Related Xeroderma Pigmentosum; XP, GROUP B; XPB/CS; XERODERMA PIGMENTOSUM B/COCKAYNE SYNDROME. Identifiers: MedGen C0268136, MONDO:0012531, OMIM 610651.

Allele frequency attached by ClinVar (database versions not stated): ExAC 0.00001; gnomAD exomes 0.00001 and 0.00002; TOPMed 0.00002.

Submissions (4):

Labcorp Genetics (formerly Invitae), Labcorp
Classification: Uncertain significance. Last evaluated: 2023-06-15. Review status: criteria provided, single submitter. Criteria: Invitae Variant Classification Sherloc (09022015). Collection method: clinical testing. Allele origin: germline.
Comment: This sequence change replaces glutamic acid, which is acidic and polar, with lysine, which is basic and polar, at codon 517 of the ERCC3 protein (p.Glu517Lys). In summary, the available evidence is currently insufficient to determine the role of this variant in disease. Therefore, it has been classified as a Variant of Uncertain Significance. Advanced modeling of protein sequence and biophysical properties (such as structural, functional, and spatial information, amino acid conservation, physicochemical variation, residue mobility, and thermodynamic stability) performed at Invitae indicates that this missense variant is expected to disrupt ERCC3 protein function. ClinVar contains an entry for this variant (Variation ID: 1319554). This variant has not been reported in the literature in individuals affected with ERCC3-related conditions. This variant is present in population databases (rs781202683, gnomAD 0.04%).

Institute for Clinical Genetics, University Hospital TU Dresden, University Hospital TU Dresden
Classification: Uncertain significance. Last evaluated: 2021-11-03. Review status: criteria provided, single submitter. Criteria: ACMG Guidelines, 2015. Collection method: clinical testing. Allele origin: germline.

Sema4
Classification: Uncertain significance for Xeroderma pigmentosum. Last evaluated: 2021-10-02. Review status: criteria provided, single submitter. Criteria: Sema4 Curation Guidelines. Collection method: curation. Allele origin: germline.
Comment: The ERCC3 c.1549G>A (p.E517K) variant has not been reported in the literature to our knowledge. This variant was observed in 4/10078 chromosomes in the Ashkenazi Jewish subpopulation according to the Genome Aggregation Database (PMID: 32461654). The variant has not been reported in ClinVar. Functional studies have not been performed, and in silico predictions of the variant's effect on protein function are inconclusive. The evidence is insufficient to meet ACMG/AMP criteria for classifying the variant as benign or pathogenic. Thus, the clinical significance of this variant is currently uncertain.

Department of Pathology and Laboratory Medicine, Sinai Health System
Classification: Uncertain significance for Xeroderma pigmentosum group B; Trichothiodystrophy 2, photosensitive. Last evaluated: 2021-07-30. Review status: criteria provided, single submitter. Criteria: ACMG Guidelines, 2015. Collection method: research. Allele origin: germline.

NM_000122.2(ERCC3):c.1549G>A (p.Glu517Lys)

Gene: ERCC3 (ERCC excision repair 3, TFIIH core complex helicase subunit; minus strand). Cytogenetic location: 2q14.3.
Variant type: single nucleotide variant.
Coding change: c.1549G>A on transcript NM_000122.2 (MANE Select); coding-DNA position 1549, G replaced by A.
Protein change: p.Glu517Lys; replaces glutamic acid 517 with lysine.
Molecular consequence: missense variant.
Genome position (GRCh38, 1-based): chr2:127,279,354, C>T on the plus strand (G>A on the coding strand, the complement: ERCC3 is on the minus strand). VCF-style: chr2-127279354-C-T. GRCh37 (hg19) VCF-style: chr2-128036930-C-T.
Other names: c.1357G>A, p.Glu453Lys (NM_001303416.2, NM_001303418.2); short protein forms E453K, E517K.
Identifiers: ClinVar variation 1319554 (VCV001319554.8), dbSNP rs781202683, ClinGen allele CA1858229.